The following is an entry in ClinVar:

ClinVar aggregate classification (germline): Likely benign (0 of 4 stars; one submission).

Conditions:
CCNL2-related disorder. Also called: CCNL2-related condition.

Allele frequency attached by ClinVar (database versions not stated): ESP Exome Variant Server 0.00015; gnomAD 0.00027; 1000 Genomes Project 30x 0.00062; 1000 Genomes Project 0.00080; ExAC 0.00113.
gnomAD v4.1: 888 of 1,610,138 alleles (0.055%); highest among the groups gnomAD compares: South Asian, 0.68%; 18 homozygotes.

Submission:

PreventionGenetics, part of Exact Sciences
Classification: Likely benign for CCNL2-related condition. Last evaluated: 2019-04-12. Review status: no assertion criteria provided. Collection method: clinical testing. Allele origin: germline.
Comment: This variant is classified as likely benign based on ACMG/AMP sequence variant interpretation guidelines (Richards et al. 2015 PMID: 25741868, with internal and published modifications).

NM_030937.6(CCNL2):c.120G>A (p.Arg40=)

Genes: CCNL2 (cyclin L2; minus strand), LOC129929121 (ATAC-STARR-seq lymphoblastoid silent region 69; plus strand). Cytogenetic location: 1p36.33.
Variant type: single nucleotide variant.
Coding change: c.120G>A on transcript NM_030937.6 (MANE Select); coding-DNA position 120, G replaced by A.
Protein change: p.Arg40=; no amino-acid change (arginine 40 retained).
Molecular consequence: synonymous variant. On other transcripts: 5 prime UTR variant (6), non-coding transcript variant (3).
Genome position (GRCh38, 1-based): chr1:1,399,187, C>T on the plus strand (G>A on the coding strand, the complement: CCNL2 is on the minus strand). VCF-style: chr1-1399187-C-T. GRCh37 (hg19) VCF-style: chr1-1334567-C-T.
Other names: c.120G>A, p.Arg40= (NM_001039577.5); c.-1271G>A (NM_001320153.3); c.-561G>A (NM_001320155.3); c.-695G>A (NM_001350497.2); c.-672G>A (NM_001350498.2); c.-678G>A (NM_001350499.2); c.-567G>A (NM_001350500.2).
Identifiers: ClinVar variation 3058762 (VCV003058762.2), dbSNP rs374471834, ClinGen allele CA522387.